The following is an entry in ClinVar:

ClinVar aggregate classification (germline): Uncertain significance (1 of 4 stars; one submission).

Conditions:
Charcot-Marie-Tooth disease axonal type 2V. Also called: CHARCOT-MARIE-TOOTH NEUROPATHY, TYPE 2V; CHARCOT-MARIE-TOOTH DISEASE, AXONAL, AUTOSOMAL DOMINANT, TYPE 2V. Identifiers: Orphanet 447964, MedGen C5569050, MONDO:0014665, OMIM 616491.
Mucopolysaccharidosis, MPS-III-B (MPS3B). Also called: MUCOPOLYSACCHARIDOSIS, TYPE IIIB; Mucopolysaccharidosis type IIIB (Sanfilippo B); N-ACETYL-ALPHA-D-GLUCOSAMINIDASE DEFICIENCY; NAGLU DEFICIENCY; SANFILIPPO SYNDROME B; MPS III B. Identifiers: Orphanet 79270, MedGen C0086648, MONDO:0009656, OMIM 252920.

gnomAD v4.1: 8 of 1,613,970 alleles (0.0005%); highest among the groups gnomAD compares: Middle Eastern, 0.016%; no homozygotes.

Submission:

Labcorp Genetics (formerly Invitae), Labcorp
Classification: Uncertain significance for Charcot-Marie-Tooth disease axonal type 2V; Mucopolysaccharidosis, MPS-III-B. Last evaluated: 2022-08-12. Review status: criteria provided, single submitter. Criteria: Invitae Variant Classification Sherloc (09022015). Collection method: clinical testing. Allele origin: germline.
Comment: This sequence change replaces methionine, which is neutral and non-polar, with isoleucine, which is neutral and non-polar, at codon 317 of the NAGLU protein (p.Met317Ile). This variant is not present in population databases (gnomAD no frequency). This variant has not been reported in the literature in individuals affected with NAGLU-related conditions. Algorithms developed to predict the effect of missense changes on protein structure and function are either unavailable or do not agree on the potential impact of this missense change (SIFT: "Tolerated"; PolyPhen-2: "Possibly Damaging"; Align-GVGD: "Class C0"). In summary, the available evidence is currently insufficient to determine the role of this variant in disease. Therefore, it has been classified as a Variant of Uncertain Significance.

NM_000263.4(NAGLU):c.951G>A (p.Met317Ile)

Gene: NAGLU (N-acetyl-alpha-glucosaminidase; plus strand). Cytogenetic location: 17q21.2.
Variant type: single nucleotide variant.
Coding change: c.951G>A on transcript NM_000263.4 (MANE Select); coding-DNA position 951, G replaced by A.
Protein change: p.Met317Ile; replaces methionine 317 with isoleucine.
Molecular consequence: missense variant.
Genome position (GRCh38, 1-based): chr17:42,541,136, G>A. VCF-style: chr17-42541136-G-A. GRCh37 (hg19) VCF-style: chr17-40693154-G-A.
Other names: short protein forms M317I.
Identifiers: ClinVar variation 1716289 (VCV001716289.3), dbSNP rs2510656601, ClinGen allele CA399600282.
Genomic context (GRCh38, chr17:42,541,136, plus strand): 5'-AGAGCTGATCAAAGAGTTTGGCACAGACCACATCTATGGGGCCGACACTTTCAATGAGAT[G>A]CAGCCACCTTCCTCAGAGCCCTCCTACCTTGCCGCAGCCACCACTGCCGTCTATGAGGCC-3'
Protein context (NP_000254.2, residues 307-327): HIYGADTFNE[Met317Ile]QPPSSEPSYL